The following is an entry in ClinVar:

ClinVar aggregate classification (germline): Uncertain significance (1 of 4 stars; one submission).

Conditions:
Kleefstra syndrome 1 (KLEFS1). Identifiers: Orphanet 261494, MedGen C0795833, MONDO:0027407, OMIM 610253.

Allele frequency attached by ClinVar (database versions not stated): gnomAD 0.00001; TOPMed 0.00002.
gnomAD v4.1: 1 of 1,607,826 alleles (0.000062%); highest among the groups gnomAD compares: Non-Finnish European, 0.000085%; no homozygotes.

Submission:

Labcorp Genetics (formerly Invitae), Labcorp
Classification: Uncertain significance for Kleefstra syndrome 1. Last evaluated: 2021-10-20. Review status: criteria provided, single submitter. Criteria: Invitae Variant Classification Sherloc (09022015). Collection method: clinical testing. Allele origin: germline.
Comment: This variant is not present in population databases (ExAC no frequency). In summary, the available evidence is currently insufficient to determine the role of this variant in disease. Therefore, it has been classified as a Variant of Uncertain Significance. Algorithms developed to predict the effect of missense changes on protein structure and function (SIFT, PolyPhen-2, Align-GVGD) all suggest that this variant is likely to be tolerated. This variant has not been reported in the literature in individuals affected with EHMT1-related conditions. This sequence change replaces alanine with valine at codon 1277 of the EHMT1 protein (p.Ala1277Val). The alanine residue is moderately conserved and there is a small physicochemical difference between alanine and valine.

NM_024757.5(EHMT1):c.3830C>T (p.Ala1277Val)

Gene: EHMT1 (euchromatic histone lysine methyltransferase 1; plus strand). Cytogenetic location: 9q34.3.
Variant type: single nucleotide variant.
Coding change: c.3830C>T on transcript NM_024757.5 (MANE Select); coding-DNA position 3830, C replaced by T.
Protein change: p.Ala1277Val; replaces alanine 1277 with valine.
Molecular consequence: missense variant.
Genome position (GRCh38, 1-based): chr9:137,834,886, C>T. VCF-style: chr9-137834886-C-T. GRCh37 (hg19) VCF-style: chr9-140729338-C-T.
Other names: c.3809C>T, p.Ala1270Val (NM_001354263.2); short protein forms A1277V, A1270V.
Identifiers: ClinVar variation 1463106 (VCV001463106.6), dbSNP rs1481748789, ClinGen allele CA375783621.